The following is an entry in ClinVar:

ClinVar aggregate classification (germline): Uncertain significance (1 of 4 stars; one submission).

Conditions:
Dyskeratosis congenita. Identifiers: Orphanet 1775, MedGen C0265965, MONDO:0015780.

Submission:

Labcorp Genetics (formerly Invitae), Labcorp
Classification: Uncertain significance for Dyskeratosis congenita. Last evaluated: 2021-04-24. Review status: criteria provided, single submitter. Criteria: Invitae Variant Classification Sherloc (09022015). Collection method: clinical testing. Allele origin: germline.
Comment: In summary, the available evidence is currently insufficient to determine the role of this variant in disease. Therefore, it has been classified as a Variant of Uncertain Significance. Algorithms developed to predict the effect of missense changes on protein structure and function output the following: SIFT: "Tolerated"; PolyPhen-2: "Benign"; Align-GVGD: "Class C0". The methionine amino acid residue is found in multiple mammalian species, suggesting that this missense change does not adversely affect protein function. These predictions have not been confirmed by published functional studies and their clinical significance is uncertain. This variant has not been reported in the literature in individuals with DKC1-related conditions. This variant is not present in population databases (ExAC no frequency). This sequence change replaces leucine with methionine at codon 391 of the DKC1 protein (p.Leu391Met). The leucine residue is weakly conserved and there is a small physicochemical difference between leucine and methionine.

NM_001363.5(DKC1):c.1171C>A (p.Leu391Met)

Gene: DKC1 (dyskerin pseudouridine synthase 1; plus strand). Cytogenetic location: Xq28.
Variant type: single nucleotide variant.
Coding change: c.1171C>A on transcript NM_001363.5 (MANE Select); coding-DNA position 1171, C replaced by A.
Protein change: p.Leu391Met; replaces leucine 391 with methionine.
Molecular consequence: missense variant. On other transcripts: non-coding transcript variant (3).
Genome position (GRCh38, 1-based): chrX:154,774,617, C>A. VCF-style: chrX-154774617-C-A. GRCh37 (hg19) VCF-style: chrX-154002892-C-A.
Other names: c.1171C>A, p.Leu391Met (NM_001142463.3, NM_001288747.2); short protein forms L391M.
Identifiers: ClinVar variation 1479842 (VCV001479842.6), dbSNP rs2148516382, ClinGen allele CA414897848.
Genomic context (GRCh38, chrX:154,774,617, plus strand): 5'-CAGCATTGACACCATTCTAATGTTGACACCTTGATGTTCCACCAGGCAAGTCAGAAGAAG[C>A]TGATGATCAAGCAGGGCCTTCTGGACAAGCATGGGAAGCCCACAGACAGCACACCTGCCA-3'
Protein context (NP_001354.1, residues 381-401): GLGPKASQKK[Leu391Met]MIKQGLLDKH